The following is an entry in ClinVar:

NM_000390.4(CHM):c.309T>G (p.Tyr103Ter)

Gene: CHM (CHM Rab escort protein; minus strand). Cytogenetic location: Xq21.2.
Variant type: single nucleotide variant.
Coding change: c.309T>G on transcript NM_000390.4 (MANE Select); coding-DNA position 309, T replaced by G.
Protein change: p.Tyr103Ter; replaces tyrosine 103 with a stop codon.
Molecular consequence: nonsense. On other transcripts: 5 prime UTR variant (4).
Genome position (GRCh38, 1-based): chrX:85,978,772, A>C on the plus strand (T>G on the coding strand, the complement: CHM is on the minus strand). VCF-style: chrX-85978772-A-C. GRCh37 (hg19) VCF-style: chrX-85233776-A-C.
Other names: c.309T>G, p.Tyr103Ter (NM_001145414.4); c.-136T>G (NM_001320959.1, NM_001362517.1); c.-132T>G (NM_001362518.2, NM_001362519.1); short protein forms Y103*.
Identifiers: ClinVar variation 1380043 (VCV001380043.8), dbSNP rs897855683, ClinGen allele CA413787770.

ClinVar aggregate classification (germline): Pathogenic (1 of 4 stars; one submission).

Submission:

Labcorp Genetics (formerly Invitae), Labcorp
Classification: Pathogenic. Last evaluated: 2022-03-04. Review status: criteria provided, single submitter. Criteria: Invitae Variant Classification Sherloc (09022015). Collection method: clinical testing. Allele origin: germline.
Comment: This premature translational stop signal has been observed in individual(s) with choroideremia (PMID: 27070432). This variant is also known as c.339T>G. For these reasons, this variant has been classified as Pathogenic. This variant is not present in population databases (gnomAD no frequency). This sequence change creates a premature translational stop signal (p.Tyr103*) in the CHM gene. It is expected to result in an absent or disrupted protein product. Loss-of-function variants in CHM are known to be pathogenic (PMID: 9067750, 23811034).

Literature cited by the submitters: PubMed 27070432; PubMed 9067750; PubMed 23811034.